The following is an entry in ClinVar:

ClinVar aggregate classification (germline): Uncertain significance. Review status: criteria provided, multiple submitters, no conflicts (2 of 4 stars). 2 submissions from 2 submitters: Uncertain significance (2). Last evaluated 2026-09-08.

Conditions:
Fabry disease. Also called: GLA DEFICIENCY; HEREDITARY DYSTOPIC LIPIDOSIS; Fabry's disease; Angiokeratoma corporis diffusum; Ceramide trihexosidosis; ALPHA-GALACTOSIDASE A DEFICIENCY. Identifiers: Orphanet 324, MedGen C0002986, MONDO:0010526, OMIM 301500, HP:0001071. Disease mechanism: loss of function, Fabry disease is due to inactivating mutations in the X-linked GLA gene resulting in deficiency of the enzyme Alpha Galactosidase-A..

Submissions (2):

Genomenon, Inc
Classification: Uncertain significance for Fabry disease. Last evaluated: 2026-09-08. Review status: criteria provided, single submitter. Criteria: Genomenon Sequence Variant Interpretation Standards - Updated. Collection method: curation. Allele origin: germline. Affected: no.
Comment: GLA p.His46Gln (c.138C>G) is a missense variant that changes the amino acid at codon 46 from Histidine to Glutamine. This variant has been reported in the published literature (PMID:34877240). This variant is located in a mutational hotspot and/or important functional domain. It is absent or not present at a significant frequency in gnomAD. In silico models predict that this variant is possibly or probably damaging. In conclusion, we classify GLA p.His46Gln (c.138C>G) as a variant of uncertain significance.

Women's Health and Genetics/Laboratory Corporation of America, LabCorp
Classification: Uncertain significance. Last evaluated: 2019-03-13. Review status: criteria provided, single submitter. Criteria: LabCorp Variant Classification Summary - May 2015. Collection method: clinical testing. Allele origin: germline.
Comment: Variant summary: GLA c.138C>G (p.His46Gln) results in a non-conservative amino acid change in the encoded protein sequence. Four of five in-silico tools predict a damaging effect of the variant on protein function. The variant was absent in 200325 control chromosomes. The available data on variant occurrences in the general population are insufficient to allow any conclusion about variant significance. To our knowledge, no occurrence of c.138C>G in individuals affected with Fabry Disease and no experimental evidence demonstrating its impact on protein function have been reported. No clinical diagnostic laboratories have submitted clinical-significance assessments for this variant to ClinVar after 2014. Based on the evidence outlined above, the variant was classified as uncertain significance.

Literature cited by the submitters: PubMed 34877240 (cited by Genomenon, Inc).

NM_000169.3(GLA):c.138C>G (p.His46Gln)

Genes: GLA (galactosidase alpha; minus strand), RPL36A-HNRNPH2 (RPL36A-HNRNPH2 readthrough; plus strand). Cytogenetic location: Xq22.1.
Variant type: single nucleotide variant.
Coding change: c.138C>G on transcript NM_000169.3 (MANE Select); coding-DNA position 138, C replaced by G.
Protein change: p.His46Gln; replaces histidine 46 with glutamine.
Molecular consequence: missense variant. On other transcripts: non-coding transcript variant (3), intron variant (2).
Genome position (GRCh38, 1-based): chrX:101,407,766, G>C on the plus strand (C>G on the coding strand, the complement: GLA is on the minus strand). VCF-style: chrX-101407766-G-C. GRCh37 (hg19) VCF-style: chrX-100662754-G-C.
Other names: c.138C>G, p.His46Gln (NM_001406747.1, NM_001406748.1, NM_001406749.1); c.301-4170G>C (NM_001199973.2); c.178-4170G>C (NM_001199974.2); short protein forms H46Q.
Identifiers: ClinVar variation 222180 (VCV000222180.3), dbSNP rs869312253, ClinGen allele CA352995.
Genomic context (GRCh38, chrX:101,407,766, plus strand): 5'-ATACCTGATGCAGGAATCTGGCTCTTCCTGGCAGTCAAGGTTGCACATGAAGCGCTCCCA[G>C]TGCAGCCAGCCCATGGTAGGCGTCCTTGCCAATCCATTGTCCAGTGCTCTAGCCCCAGGG-3'
Protein context (NP_000160.1, residues 36-56): LARTPTMGWL[His46Gln]WERFMCNLDC